The following is an entry in ClinVar:

ClinVar aggregate classification (germline): Uncertain significance (1 of 4 stars; one submission).

Conditions:
Hereditary breast ovarian cancer syndrome. Also called: Hereditary breast and ovarian cancer; Hereditary breast and ovarian cancer syndrome (HBOC); Breast and ovarian cancer; Hereditary breast and/or ovarian cancer syndrome; BRCA1- and BRCA2-Associated Hereditary Breast and Ovarian Cancer; Hereditary breast and ovarian cancer syndrome. Identifiers: Orphanet 145, MedGen C0677776, MeSH D061325, MONDO:0003582. Disease mechanism: loss of function.

Submissions (2):

Labcorp Genetics (formerly Invitae), Labcorp
Classification: Uncertain significance for Hereditary breast ovarian cancer syndrome. Last evaluated: 2025-11-05. Review status: criteria provided, single submitter. Criteria: Invitae Variant Classification Sherloc (09022015). Collection method: clinical testing. Allele origin: germline.
Comment: This sequence change replaces glutamine, which is neutral and polar, with glutamic acid, which is acidic and polar, at codon 1848 of the BRCA1 protein (p.Gln1848Glu). This variant is not present in population databases (gnomAD no frequency). This variant has not been reported in the literature in individuals affected with BRCA1-related conditions. ClinVar contains an entry for this variant (Variation ID: 868639). Invitae Evidence Modeling incorporating data from in vitro experimental studies (PMID: 30209399) indicates that this missense variant is not expected to disrupt BRCA1 function with a negative predictive value of 95%. In summary, the available evidence is currently insufficient to determine the role of this variant in disease. Therefore, it has been classified as a Variant of Uncertain Significance.

Brotman Baty Institute, University of Washington
No classification provided (evidence only). Condition: Breast-ovarian cancer, familial 1. Review status: no classification provided. Collection method: in vitro. Allele origin: not applicable. Functional consequence: functionally_normal. Not counted in ClinVar's aggregate classification.
ClinVar note: "not provided" was previously submitted as the classification for the variant. However, the classification appeared to be based only on an observation of functional data so it was converted to no classification on 2025-07-30.

Literature cited by the submitters: PubMed 30209399 (cited by Labcorp Genetics (formerly Invitae), Labcorp).

NM_007294.4(BRCA1):c.5542C>G (p.Gln1848Glu)

Gene: BRCA1 (BRCA1 DNA repair associated; minus strand). Cytogenetic location: 17q21.31.
Variant type: single nucleotide variant.
Coding change: c.5542C>G on transcript NM_007294.4 (MANE Select); coding-DNA position 5542, C replaced by G.
Protein change: p.Gln1848Glu; replaces glutamine 1848 with glutamic acid.
Molecular consequence: missense variant. On other transcripts: 3 prime UTR variant (1), non-coding transcript variant (1).
Genome position (GRCh38, 1-based): chr17:43,045,728, G>C on the plus strand (C>G on the coding strand, the complement: BRCA1 is on the minus strand). VCF-style: chr17-43045728-G-C. GRCh37 (hg19) VCF-style: chr17-41197745-G-C.
Other names: c.5605C>G, p.Gln1869Glu (NM_001407587.1, NM_007300.4, NM_001407583.1 and 1 more transcripts); c.5602C>G, p.Gln1868Glu (NM_001407590.1, NM_001407591.1); c.5542C>G, p.Gln1848Glu (NM_001407593.1, NM_001407594.1, NM_001407596.1 and 5 more transcripts); c.5539C>G, p.Gln1847Glu (NM_001407610.1, NM_001407611.1, NM_001407622.1 and 14 more transcripts); c.5536C>G, p.Gln1846Glu (NM_001407627.1, NM_001407628.1, NM_001407629.1 and 13 more transcripts); c.5533C>G, p.Gln1845Glu (NM_001407644.1, NM_001407645.1); c.5530C>G, p.Gln1844Glu (NM_001407646.1); c.5527C>G, p.Gln1843Glu (NM_001407647.1); and 74 more; short protein forms Q1869E, Q1801E, Q1848E, Q744E, Q1679E, Q1719E, Q1721E, Q1758E.
Identifiers: ClinVar variation 868639 (VCV000868639.4), dbSNP rs886040303, ClinGen allele CA10590239.